The following is an entry in ClinVar:

ClinVar aggregate classification (germline): Likely benign (1 of 4 stars; one submission).

Conditions:
PLXNA2-related disorder. Also called: PLXNA2-related condition.

gnomAD v4.1: 1 of 1,614,040 alleles (0.000062%); highest among the groups gnomAD compares: African/African-American, 0.0013%; no homozygotes.

Submission:

PreventionGenetics, part of Exact Sciences
Classification: Likely benign for PLXNA2-related condition. Last evaluated: 2025-02-20. Review status: criteria provided, single submitter. Criteria: ACMG Guidelines, 2015. Collection method: clinical testing. Allele origin: germline.
Comment: This variant is classified as likely benign based on ACMG/AMP sequence variant interpretation guidelines (Richards et al. 2015 PMID: 25741868, with internal and published modifications).

NM_025179.4(PLXNA2):c.3963T>C (p.Ala1321=)

Gene: PLXNA2 (plexin A2; minus strand). Cytogenetic location: 1q32.2.
Variant type: single nucleotide variant.
Coding change: c.3963T>C on transcript NM_025179.4 (MANE Select); coding-DNA position 3963, T replaced by C.
Protein change: p.Ala1321=; no amino-acid change (alanine 1321 retained).
Molecular consequence: synonymous variant.
Genome position (GRCh38, 1-based): chr1:208,043,115, A>G on the plus strand (T>C on the coding strand, the complement: PLXNA2 is on the minus strand). VCF-style: chr1-208043115-A-G. GRCh37 (hg19) VCF-style: chr1-208216460-A-G.
Identifiers: ClinVar variation 4999421 (VCV004999421.1).